The following is an entry in ClinVar:

NM_001290060.2(SEMA3B):c.1251dup (p.Arg418fs)

Gene: SEMA3B (semaphorin 3B; plus strand). Cytogenetic location: 3p21.31.
Variant type: Duplication.
Coding change: c.1251dup on transcript NM_001290060.2 (MANE Select); coding-DNA position 1251, one base duplicated (G; older notation c.1251dupG).
Protein change: p.Arg418fs; shifts the reading frame from arginine 418.
Molecular consequence: frameshift variant. On other transcripts: non-coding transcript variant (1).
Genome position (GRCh38, 1-based): chr3:50,274,476, G duplicated; the last of 6 consecutive G bases (chr3:50,274,471-50,274,476); duplicating any one gives the same sequence. VCF-style (leftmost placement, unchanged base first): chr3-50274470-T-TG. GRCh37 (hg19) VCF-style: chr3-50311901-T-TG.
Other names: c.1248dup, p.Arg417fs (NM_001005914.3, NM_001435957.1, NM_001435958.1); c.1266dup, p.Arg423fs (NM_001290061.1); c.222dup, p.Arg75fs (NM_001290062.2, NM_001290063.2); c.1251dup, p.Arg418fs (NM_001435956.1, NM_004636.4); c.1266dupG (NM_001290061.1); short protein forms R423fs, R418fs, R75fs, R417fs.
Identifiers: ClinVar variation 4987340 (VCV004987340.1).

ClinVar aggregate classification (germline): Uncertain significance (1 of 4 stars; one submission).

Conditions:
SEMA3B-related disorder. Also called: SEMA3B-related condition.

Submission:

PreventionGenetics, part of Exact Sciences
Classification: Uncertain significance for SEMA3B-related condition. Last evaluated: 2025-08-08. Review status: criteria provided, single submitter. Criteria: ACMG Guidelines, 2015. Collection method: clinical testing. Allele origin: germline.
Comment: The SEMA3B c.1266dupG variant is predicted to result in a frameshift and premature protein termination (p.Arg423Alafs*25). To our knowledge, this variant has not been reported in the literature or in a large population database, indicating this variant is rare. Loss of function is not an established mechanism of SEMA3B-related disease. At this time, the clinical significance of this variant is uncertain due to the absence of conclusive functional and genetic evidence.